The following is an entry in ClinVar:

ClinVar aggregate classification (germline): Uncertain significance (1 of 4 stars; one submission).

Allele frequency attached by ClinVar (database versions not stated): gnomAD exomes below 0.00001; ExAC 0.00001.

Submission:

Labcorp Genetics (formerly Invitae), Labcorp
Classification: Uncertain significance. Last evaluated: 2022-11-22. Review status: criteria provided, single submitter. Criteria: Invitae Variant Classification Sherloc (09022015). Collection method: clinical testing. Allele origin: germline.
Comment: In summary, the available evidence is currently insufficient to determine the role of this variant in disease. Therefore, it has been classified as a Variant of Uncertain Significance. Algorithms developed to predict the effect of missense changes on protein structure and function are either unavailable or do not agree on the potential impact of this missense change (SIFT: "Tolerated"; PolyPhen-2: "Probably Damaging"; Align-GVGD: "Class C0"). ClinVar contains an entry for this variant (Variation ID: 1503757). This variant has not been reported in the literature in individuals affected with CCDC88A-related conditions. This variant is present in population databases (rs754592967, gnomAD 0.0009%). This sequence change replaces glutamine, which is neutral and polar, with glutamic acid, which is acidic and polar, at codon 95 of the CCDC88A protein (p.Gln95Glu).

NM_001365480.1(CCDC88A):c.283C>G (p.Gln95Glu)

Gene: CCDC88A (coiled-coil and HOOK domain protein 88A; minus strand). Cytogenetic location: 2p16.1.
Variant type: single nucleotide variant.
Coding change: c.283C>G on transcript NM_001365480.1 (MANE Select); coding-DNA position 283, C replaced by G.
Protein change: p.Gln95Glu; replaces glutamine 95 with glutamic acid.
Molecular consequence: missense variant.
Genome position (GRCh38, 1-based): chr2:55,374,874, G>C on the plus strand (C>G on the coding strand, the complement: CCDC88A is on the minus strand). VCF-style: chr2-55374874-G-C. GRCh37 (hg19) VCF-style: chr2-55602010-G-C.
Other names: c.283C>G, p.Gln95Glu (NM_001135597.2, NM_001254943.2, NM_018084.5); short protein forms Q95E.
Identifiers: ClinVar variation 1503757 (VCV001503757.8), dbSNP rs754592967, ClinGen allele CA1666440.
Genomic context (GRCh38, chr2:55,374,874, plus strand): 5'-CAGAAAAGGGATTTTTGCCAATGATTAAGACATTTGGCAACGACATCATGATCAATTGCT[G>C]CAAAGTCTCCTGTAAAAAAATATCCAACACTTGTTATATGGGTAATGCTAACTAGATAAT-3'
Protein context (NP_001352409.1, residues 85-105): QIKFYYQETL[Gln95Glu]QLIMMSLPNV